The following is an entry in ClinVar:

ClinVar aggregate classification (germline): Uncertain significance (1 of 4 stars; one submission).

Conditions:
Primary ciliary dyskinesia. Also called: Ciliary dyskinesia. Identifiers: Orphanet 244, MedGen C0008780, MONDO:0016575, HP:0012265.

Allele frequency attached by ClinVar (database versions not stated): TOPMed below 0.00001; 1000 Genomes Project 30x 0.00016; 1000 Genomes Project 0.00020.
gnomAD v4.1: 8 of 1,614,162 alleles (0.0005%); highest among the groups gnomAD compares: Non-Finnish European, 0.00068%; no homozygotes.

Submission:

Labcorp Genetics (formerly Invitae), Labcorp
Classification: Uncertain significance for Primary ciliary dyskinesia. Last evaluated: 2022-07-18. Review status: criteria provided, single submitter. Criteria: Invitae Variant Classification Sherloc (09022015). Collection method: clinical testing. Allele origin: germline.
Comment: This sequence change replaces arginine, which is basic and polar, with serine, which is neutral and polar, at codon 999 of the CCDC40 protein (p.Arg999Ser). This variant is not present in population databases (gnomAD no frequency). This variant has not been reported in the literature in individuals affected with CCDC40-related conditions. Algorithms developed to predict the effect of missense changes on protein structure and function are either unavailable or do not agree on the potential impact of this missense change (SIFT: "Deleterious"; PolyPhen-2: "Probably Damaging"; Align-GVGD: "Class C0"). In summary, the available evidence is currently insufficient to determine the role of this variant in disease. Therefore, it has been classified as a Variant of Uncertain Significance.

NM_017950.4(CCDC40):c.2995C>A (p.Arg999Ser)

Gene: CCDC40 (coiled-coil domain 40 molecular ruler complex subunit; plus strand). Cytogenetic location: 17q25.3.
Variant type: single nucleotide variant.
Coding change: c.2995C>A on transcript NM_017950.4 (MANE Select); coding-DNA position 2995, C replaced by A.
Protein change: p.Arg999Ser; replaces arginine 999 with serine.
Molecular consequence: missense variant.
Genome position (GRCh38, 1-based): chr17:80,095,425, C>A. VCF-style: chr17-80095425-C-A. GRCh37 (hg19) VCF-style: chr17-78069224-C-A.
Other names: short protein forms R999S.
Identifiers: ClinVar variation 2171783 (VCV002171783.4), dbSNP rs546342011, ClinGen allele CA294876767.